The following is an entry in ClinVar:

ClinVar aggregate classification (germline): Uncertain significance (1 of 4 stars; one submission).

Conditions:
Autosomal recessive limb-girdle muscular dystrophy type 2J (LGMDR10). Also called: Limb-girdle muscular dystrophy, type 2J; MUSCULAR DYSTROPHY, LIMB-GIRDLE, AUTOSOMAL RECESSIVE 10. Identifiers: Orphanet 140922, MedGen C1837342, MONDO:0012127, OMIM 608807.
Dilated cardiomyopathy 1G (CMD1G). Identifiers: Orphanet 154, MedGen C1858763, MONDO:0011400, OMIM 604145.

Submission:

Labcorp Genetics (formerly Invitae), Labcorp
Classification: Uncertain significance for Dilated cardiomyopathy 1G; Autosomal recessive limb-girdle muscular dystrophy type 2J. Last evaluated: 2024-08-28. Review status: criteria provided, single submitter. Criteria: Invitae Variant Classification Sherloc (09022015). Collection method: clinical testing. Allele origin: germline.
Comment: This sequence change replaces tryptophan, which is neutral and slightly polar, with glycine, which is neutral and non-polar, at codon 35319 of the TTN protein (p.Trp35319Gly). This variant is not present in population databases (gnomAD no frequency). This variant has not been reported in the literature in individuals affected with TTN-related conditions. Experimental studies and prediction algorithms are not available or were not evaluated, and the functional significance of this variant is currently unknown. This variant is located in the M band of TTN (PMID: 25589632). Non-truncating variants in this region may be relevant for neuromuscular disorders, but have not been definitively shown to cause cardiomyopathy (PMID: 23975875). In summary, the available evidence is currently insufficient to determine the role of this variant in disease. Therefore, it has been classified as a Variant of Uncertain Significance.

Literature cited by the submitters: PubMed 25589632; PubMed 23975875.

NM_001267550.2(TTN):c.105955T>G (p.Trp35319Gly)

Genes: TTN-AS1 (TTN antisense RNA 1; plus strand), TTN (titin; minus strand), LOC129935183 (ATAC-STARR-seq lymphoblastoid active region 16808; plus strand). Cytogenetic location: 2q31.2.
Variant type: single nucleotide variant.
Coding change: c.105955T>G on transcript NM_001267550.2 (MANE Select); coding-DNA position 105955, T replaced by G.
Protein change: p.Trp35319Gly; replaces tryptophan 35319 with glycine.
Molecular consequence: missense variant.
Genome position (GRCh38, 1-based): chr2:178,530,660, A>C on the plus strand (T>G on the coding strand, the complement: TTN is on the minus strand). VCF-style: chr2-178530660-A-C. GRCh37 (hg19) VCF-style: chr2-179395387-A-C.
Other names: c.101032T>G, p.Trp33678Gly (NM_001256850.1); c.78760T>G, p.Trp26254Gly (NM_003319.4); c.98251T>G, p.Trp32751Gly (NM_133378.4); c.79135T>G, p.Trp26379Gly (NM_133432.3); c.79336T>G, p.Trp26446Gly (NM_133437.4); short protein forms W26254G, W26379G, W26446G, W32751G, W33678G, W35319G.
Identifiers: ClinVar variation 3751966 (VCV003751966.2).